The following is an entry in ClinVar:

NM_006197.4(PCM1):c.1071+3A>G

Gene: PCM1 (pericentriolar material 1; plus strand). Cytogenetic location: 8p22.
Variant type: single nucleotide variant.
Coding change: c.1071+3A>G on transcript NM_006197.4 (MANE Select); 3 bases into the intron after coding-DNA position 1071, A replaced by G.
Molecular consequence: intron variant.
Genome position (GRCh38, 1-based): chr8:17,950,727, A>G. VCF-style: chr8-17950727-A-G. GRCh37 (hg19) VCF-style: chr8-17808236-A-G.
Other names: c.1188+3A>G (NM_001352633.2, NM_001352650.2, NM_001352636.2 and 7 more transcripts); c.1071+3A>G (NM_001352635.2, NM_001352648.2, NM_001352653.2 and 18 more transcripts).
Identifiers: ClinVar variation 4991818 (VCV004991818.1).

ClinVar aggregate classification (germline): Likely benign (1 of 4 stars; one submission).

Conditions:
PCM1-related disorder. Also called: PCM1-related condition.

Submission:

PreventionGenetics, part of Exact Sciences
Classification: Likely benign for PCM1-related condition. Last evaluated: 2025-10-03. Review status: criteria provided, single submitter. Criteria: ACMG Guidelines, 2015. Collection method: clinical testing. Allele origin: germline.
Comment: This variant is classified as likely benign based on ACMG/AMP sequence variant interpretation guidelines (Richards et al. 2015 PMID: 25741868, with internal and published modifications).